The following is an entry in ClinVar:

NC_000023.10:g.(?_119560002)_(119603205_?)del

Gene: LAMP2 (lysosome associated membrane protein 2; minus strand). Cytogenetic location: Xq24.
Variant type: Deletion.
Identifiers: ClinVar variation 1698512 (VCV001698512.1).

ClinVar aggregate classification (germline): Pathogenic (1 of 4 stars; one submission).

Conditions:
Danon disease. Also called: ANTOPOL DISEASE; PSEUDOGLYCOGENOSIS II; GSD IIb; LYSOSOMAL GLYCOGEN STORAGE DISEASE WITHOUT ACID MALTASE DEFICIENCY; Glycogen Storage Disease Type IIb. Identifiers: Orphanet 34587, MedGen C0878677, MONDO:0010281, OMIM 300257.

Submission:

Women's Health and Genetics/Laboratory Corporation of America, LabCorp
Classification: Pathogenic for Danon disease. Last evaluated: 2022-06-01. Review status: criteria provided, single submitter. Criteria: LabCorp Variant Classification Summary - May 2015. Collection method: clinical testing. Allele origin: germline.
Comment: Variant summary: The variant identified by MLPA or other technology involves the deletion of the entire coding region of the LAMP2 gene. A presumed nomenclature of c.(?_-181)_(*5176_?)del has been designated for the purposes of this classification. The variant was absent in 16107 control chromosomes (gnomAD, Structural Variants dataset). One ClinVar submitter has assessed the variant since 2014: the variant was classified as pathogenic. Based on the evidence outlined above, the variant was classified as pathogenic.

Literature cited by the submitters: PubMed 31729179.